The following is an entry in ClinVar:

NM_152641.4(ARID2):c.3363G>A (p.Leu1121=)

Gene: ARID2 (AT-rich interaction domain 2; plus strand). Cytogenetic location: 12q12.
Variant type: single nucleotide variant.
Coding change: c.3363G>A on transcript NM_152641.4 (MANE Select); coding-DNA position 3363, G replaced by A.
Protein change: p.Leu1121=; no amino-acid change (leucine 1121 retained).
Molecular consequence: synonymous variant.
Genome position (GRCh38, 1-based): chr12:45,851,486, G>A. VCF-style: chr12-45851486-G-A. GRCh37 (hg19) VCF-style: chr12-46245269-G-A.
Other names: c.3363G>A, p.Leu1121= (NM_001347839.2).
Identifiers: ClinVar variation 727361 (VCV000727361.15), dbSNP rs77870470, ClinGen allele CA6526454.

ClinVar aggregate classification (germline): Benign/Likely benign. Review status: criteria provided, multiple submitters, no conflicts (2 of 4 stars). 4 submissions from 4 submitters: Benign (2); Likely benign (2). Last evaluated 2026-07-01.

Allele frequency attached by ClinVar (database versions not stated): gnomAD 0.00272 and 0.00289; TOPMed 0.00300; 1000 Genomes Project 0.00379; ESP Exome Variant Server 0.00454; 1000 Genomes Project 30x 0.00468; gnomAD exomes 0.00071; ExAC 0.00096.
gnomAD v4.1: 857 of 1,614,102 alleles (0.053%); highest among the groups gnomAD compares: African/African-American, 1%; 4 homozygotes.

Submissions (4):

CeGaT Center for Human Genetics Tuebingen
Classification: Likely benign. Last evaluated: 2026-07-01. Review status: criteria provided, single submitter. Criteria: CeGaT Center For Human Genetics Tuebingen Variant Classification Criteria Version 2. Collection method: clinical testing. Allele origin: germline. Affected: yes. Observed: 2 variant alleles.
Comment: ARID2: BP4, BS1

Blueprint Genetics
Classification: Likely benign. Last evaluated: 2024-09-23. Review status: criteria provided, single submitter. Criteria: ACMG Guidelines, 2015. Collection method: clinical testing. Allele origin: germline.

Labcorp Genetics (formerly Invitae), Labcorp
Classification: Benign. Last evaluated: 2018-12-04. Review status: criteria provided, single submitter. Criteria: Invitae Variant Classification Sherloc (09022015). Collection method: clinical testing. Allele origin: germline.

Breakthrough Genomics
Classification: Benign. Review status: criteria provided, single submitter. Criteria: ACMG Guidelines, 2015. Collection method: not provided. Allele origin: germline. Inheritance: Autosomal dominant inheritance. Affected: yes.